The following is an entry in ClinVar:

ClinVar aggregate classification (germline): Uncertain significance (1 of 4 stars; one submission).

Submission:

Greenwood Genetic Center Diagnostic Laboratories, Greenwood Genetic Center
Classification: Uncertain significance. Last evaluated: 2022-04-06. Review status: criteria provided, single submitter. Criteria: ACMG Guidelines, 2015. Collection method: clinical testing. Allele origin: germline. Affected: yes.
Comment: Gene of Uncertain Significance

NM_004715.5(CTDP1):c.1364C>T (p.Ser455Phe)

Gene: CTDP1 (CTD phosphatase subunit 1; plus strand). Cytogenetic location: 18q23.
Variant type: single nucleotide variant.
Coding change: c.1364C>T on transcript NM_004715.5 (MANE Select); coding-DNA position 1364, C replaced by T.
Protein change: p.Ser455Phe; replaces serine 455 with phenylalanine.
Molecular consequence: missense variant.
Genome position (GRCh38, 1-based): chr18:79,714,824, C>T. VCF-style: chr18-79714824-C-T. GRCh37 (hg19) VCF-style: chr18-77474824-C-T.
Other names: c.1007C>T, p.Ser336Phe (NM_001202504.1); c.1364C>T, p.Ser455Phe (NM_001318511.2, NM_048368.4); short protein forms S336F, S455F.
Identifiers: ClinVar variation 1703184 (VCV001703184.3), dbSNP rs1359265367, ClinGen allele CA402831359.
Genomic context (GRCh38, chr18:79,714,824, plus strand): 5'-TGGCACCGGGACAGCGGCCTGCCCAGGGTGCCACGGGCACTGACCTGGACTTTGACTTAT[C>T]CAGCGACAGCGAGAGCAGCAGTGAGTCCGAGGGCACGAAGTCCTCCTCCTCCGCCTCTGA-3'
Protein context (NP_004706.3, residues 445-465): ATGTDLDFDL[Ser455Phe]SDSESSSESE